The following is an entry in ClinVar:

ClinVar aggregate classification (germline): Uncertain significance (1 of 4 stars; one submission).

Conditions:
Atrial fibrillation, familial, 7 (ATFB7). Identifiers: MedGen C2677106, MONDO:0012828, OMIM 612240.

Submission:

Labcorp Genetics (formerly Invitae), Labcorp
Classification: Uncertain significance for Atrial fibrillation, familial, 7. Last evaluated: 2022-11-16. Review status: criteria provided, single submitter. Criteria: Invitae Variant Classification Sherloc (09022015). Collection method: clinical testing. Allele origin: germline.
Comment: In summary, the available evidence is currently insufficient to determine the role of this variant in disease. Therefore, it has been classified as a Variant of Uncertain Significance. Algorithms developed to predict the effect of missense changes on protein structure and function (SIFT, PolyPhen-2, Align-GVGD) all suggest that this variant is likely to be tolerated. This variant has not been reported in the literature in individuals affected with KCNA5-related conditions. This variant is not present in population databases (gnomAD no frequency). This sequence change replaces valine, which is neutral and non-polar, with phenylalanine, which is neutral and non-polar, at codon 556 of the KCNA5 protein (p.Val556Phe).

NM_002234.4(KCNA5):c.1666G>T (p.Val556Phe)

Gene: KCNA5 (potassium voltage-gated channel subfamily A member 5; plus strand). Cytogenetic location: 12p13.32.
Variant type: single nucleotide variant.
Coding change: c.1666G>T on transcript NM_002234.4 (MANE Select); coding-DNA position 1666, G replaced by T.
Protein change: p.Val556Phe; replaces valine 556 with phenylalanine.
Molecular consequence: missense variant.
Genome position (GRCh38, 1-based): chr12:5,045,813, G>T. VCF-style: chr12-5045813-G-T. GRCh37 (hg19) VCF-style: chr12-5154979-G-T.
Other names: short protein forms V556F.
Identifiers: ClinVar variation 2900465 (VCV002900465.3), dbSNP rs2497481186, ClinGen allele CA383466970.
Genomic context (GRCh38, chr12:5,045,813, plus strand): 5'-AAGGAAGAGCAGGGCACTCAGAGCCAGGGGCCGGGGCTGGACAGAGGAGTCCAGCGGAAG[G>T]TCAGCGGGAGCAGGGGATCCTTCTGCAAGGCTGGGGGGACCCTGGAGAATGCAGACAGTG-3'
Protein context (NP_002225.2, residues 546-566): PGLDRGVQRK[Val556Phe]SGSRGSFCKA